The following is an entry in ClinVar:

NM_000116.5(TAFAZZIN):c.110-18C>T

Genes: DNASE1L1 (deoxyribonuclease 1 like 1; minus strand), TAFAZZIN (tafazzin, phospholipid-lysophospholipid transacylase; plus strand). Cytogenetic location: Xq28.
Variant type: single nucleotide variant.
Coding change: c.110-18C>T on transcript NM_000116.5 (MANE Select); 18 bases into the intron before coding-DNA position 110, C replaced by T.
Molecular consequence: intron variant. On other transcripts: 5 prime UTR variant (3).
Genome position (GRCh38, 1-based): chrX:154,412,068, C>T. VCF-style: chrX-154412068-C-T. GRCh37 (hg19) VCF-style: chrX-153640405-C-T.
Other names: c.-608G>A (NM_001009932.3); c.-350G>A (NM_001009933.3); c.-265G>A (NM_001009934.3); c.164-18C>T (NM_001440856.1, NM_001303465.2, NM_001410698.1 and 1 more transcripts); c.110-18C>T (NM_181312.4, NM_181311.4, NM_181313.4 and 1 more transcripts).
Identifiers: ClinVar variation 2824806 (VCV002824806.3), dbSNP rs2522923147, ClinGen allele CA2739273904.

ClinVar aggregate classification (germline): Uncertain significance (1 of 4 stars; one submission).

Conditions:
3-Methylglutaconic aciduria type 2 (BTHS). Also called: CARDIOSKELETAL MYOPATHY WITH NEUTROPENIA AND ABNORMAL MITOCHONDRIA; Barth syndrome. Identifiers: Orphanet 111, MedGen C0574083, MONDO:0010543, OMIM 302060.

Submission:

Labcorp Genetics (formerly Invitae), Labcorp
Classification: Uncertain significance for 3-Methylglutaconic aciduria type 2. Last evaluated: 2022-12-29. Review status: criteria provided, single submitter. Criteria: Invitae Variant Classification Sherloc (09022015). Collection method: clinical testing. Allele origin: germline.
Comment: In summary, the available evidence is currently insufficient to determine the role of this variant in disease. Therefore, it has been classified as a Variant of Uncertain Significance. Experimental studies and prediction algorithms are not available or were not evaluated, and the effect of this variant on mRNA splicing is currently unknown. This variant has not been reported in the literature in individuals affected with TAZ-related conditions. Information on the frequency of this variant in the gnomAD database is not available, as this variant may be reported differently in the database. This sequence change falls in intron 1 of the TAZ gene. It does not directly change the encoded amino acid sequence of the TAZ protein.